The following is an entry in ClinVar:

ClinVar aggregate classification (germline): Pathogenic. Review status: criteria provided, multiple submitters, no conflicts (2 of 4 stars). 2 submissions from 2 submitters: Pathogenic (2). Last evaluated 2026-01-10.

Conditions:
Telangiectasia, hereditary hemorrhagic, type 2 (HHT2). Also called: Telangiectasia, hereditary hemorrhagic, type II; ACVRL1-Related Hereditary Hemorrhagic Telangiectasia. Identifiers: Orphanet 774, MedGen C1838163, MONDO:0010880, OMIM 600376. Disease mechanism: loss of function.
Cardiovascular phenotype. Identifiers: MedGen CN230736.

Submissions (2):

Labcorp Genetics (formerly Invitae), Labcorp
Classification: Pathogenic for Telangiectasia, hereditary hemorrhagic, type 2. Last evaluated: 2026-01-10. Review status: criteria provided, single submitter. Criteria: Invitae Variant Classification Sherloc (09022015). Collection method: clinical testing. Allele origin: germline.
Comment: This sequence change replaces aspartic acid, which is acidic and polar, with asparagine, which is neutral and polar, at codon 397 of the ACVRL1 protein (p.Asp397Asn). This variant is not present in population databases (gnomAD no frequency). This missense change has been observed in individuals with hereditary hemorrhagic telangiectasia (PMID: 15517393, 16690726; internal data). ClinVar contains an entry for this variant (Variation ID: 852370). Invitae Evidence Modeling of protein sequence and biophysical properties (such as structural, functional, and spatial information, amino acid conservation, physicochemical variation, residue mobility, and thermodynamic stability) indicates that this missense variant is expected to disrupt ACVRL1 protein function with a positive predictive value of 95%. This variant disrupts the p.Asp397 amino acid residue in ACVRL1. Other variant(s) that disrupt this residue have been observed in individuals with ACVRL1-related conditions (PMID: 15024723; internal data), which suggests that this may be a clinically significant amino acid residue. For these reasons, this variant has been classified as Pathogenic.

Ambry Genetics
Classification: Pathogenic for Cardiovascular phenotype. Last evaluated: 2015-02-10. Review status: criteria provided, single submitter. Criteria: Ambry Variant Classification Scheme 2023. Collection method: clinical testing. Allele origin: germline.
Comment: The p.D397N pathogenic mutation (also known as c.1189G>A), located in coding exon 7 of the ACVRL1 gene, results from a G to A substitution at nucleotide position 1189. The aspartic acid at codon 397 is replaced by asparagine, an amino acid with highly similar properties. Based on the supporting evidence, p.D397N is interpreted as a disease-causing mutation.

Literature cited by the submitters: PubMed 15517393 (cited by Labcorp Genetics (formerly Invitae), Labcorp and Ambry Genetics); PubMed 16690726 (cited by Labcorp Genetics (formerly Invitae), Labcorp); PubMed 15024723 (cited by Labcorp Genetics (formerly Invitae), Labcorp and Ambry Genetics).

NM_000020.3(ACVRL1):c.1189G>A (p.Asp397Asn)

Gene: ACVRL1 (activin A receptor like type 1; plus strand). Cytogenetic location: 12q13.13.
Variant type: single nucleotide variant.
Coding change: c.1189G>A on transcript NM_000020.3 (MANE Select); coding-DNA position 1189, G replaced by A.
Protein change: p.Asp397Asn; replaces aspartic acid 397 with asparagine.
Molecular consequence: missense variant.
Genome position (GRCh38, 1-based): chr12:51,916,176, G>A. VCF-style: chr12-51916176-G-A. GRCh37 (hg19) VCF-style: chr12-52309960-G-A.
Other names: c.1189G>A, p.Asp397Asn (NM_001077401.2); short protein forms D397N.
Identifiers: ClinVar variation 852370 (VCV000852370.11), dbSNP rs1940836783, ClinGen allele CA384902844.